The following is an entry in ClinVar:

NM_005188.4(CBL):c.2232C>G (p.Ile744Met)

Gene: CBL (Cbl proto-oncogene; plus strand). Cytogenetic location: 11q23.3.
Variant type: single nucleotide variant.
Coding change: c.2232C>G on transcript NM_005188.4 (MANE Select); coding-DNA position 2232, C replaced by G.
Protein change: p.Ile744Met; replaces isoleucine 744 with methionine.
Molecular consequence: missense variant.
Genome position (GRCh38, 1-based): chr11:119,297,462, C>G. VCF-style: chr11-119297462-C-G. GRCh37 (hg19) VCF-style: chr11-119168172-C-G.
Other names: short protein forms I744M.
Identifiers: ClinVar variation 2828730 (VCV002828730.3), dbSNP rs2496972063, ClinGen allele CA382928575.
Genomic context (GRCh38, chr11:119,297,462, plus strand): 5'-GCAGATTGATAGCTGTACGTATGAAGCAATGTATAATATTCAGTCCCAGGCGCCATCTAT[C>G]ACCGAGAGCAGCACCTTTGGTAAGTTGCCATTCTGCTACTTTAAAAATCATTGATATGTC-3'
Protein context (NP_005179.2, residues 734-754): MYNIQSQAPS[Ile744Met]TESSTFGEGN

ClinVar aggregate classification (germline): Uncertain significance (1 of 4 stars; one submission).

Conditions:
RASopathy. Also called: rasopathies; Noonan spectrum disorder. Identifiers: Orphanet 536391, MedGen C5555857, MONDO:0021060.

Submission:

Labcorp Genetics (formerly Invitae), Labcorp
Classification: Uncertain significance for RASopathy. Last evaluated: 2023-01-15. Review status: criteria provided, single submitter. Criteria: Invitae Variant Classification Sherloc (09022015). Collection method: clinical testing. Allele origin: germline.
Comment: In summary, the available evidence is currently insufficient to determine the role of this variant in disease. Therefore, it has been classified as a Variant of Uncertain Significance. Advanced modeling of protein sequence and biophysical properties (such as structural, functional, and spatial information, amino acid conservation, physicochemical variation, residue mobility, and thermodynamic stability) performed at Invitae indicates that this missense variant is not expected to disrupt CBL protein function. This variant has not been reported in the literature in individuals affected with CBL-related conditions. This variant is not present in population databases (gnomAD no frequency). This sequence change replaces isoleucine, which is neutral and non-polar, with methionine, which is neutral and non-polar, at codon 744 of the CBL protein (p.Ile744Met).